The following is an entry in ClinVar:

NM_139319.3(SLC17A8):c.17T>C (p.Phe6Ser)

Gene: SLC17A8 (solute carrier family 17 member 8; plus strand). Cytogenetic location: 12q23.1.
Variant type: single nucleotide variant.
Coding change: c.17T>C on transcript NM_139319.3 (MANE Select); coding-DNA position 17, T replaced by C.
Protein change: p.Phe6Ser; replaces phenylalanine 6 with serine.
Molecular consequence: missense variant.
Genome position (GRCh38, 1-based): chr12:100,357,408, T>C. VCF-style: chr12-100357408-T-C. GRCh37 (hg19) VCF-style: chr12-100751186-T-C.
Other names: c.17T>C, p.Phe6Ser (NM_001145288.2); short protein forms F6S.
Identifiers: ClinVar variation 1219497 (VCV001219497.6), dbSNP rs764793737, ClinGen allele CA6738628.

ClinVar aggregate classification (germline): Uncertain significance. Review status: criteria provided, multiple submitters, no conflicts (2 of 4 stars). 3 submissions from 3 submitters: Uncertain significance (3). Last evaluated 2024-10-06.

Conditions:
Inborn genetic diseases. Identifiers: MedGen C0950123, MeSH D030342.

Allele frequency attached by ClinVar (database versions not stated): TOPMed below 0.00001; ExAC 0.00001; gnomAD exomes 0.00003 and 0.00001; gnomAD 0.00001.
gnomAD v4.1: 42 of 1,610,564 alleles (0.0026%); highest among the groups gnomAD compares: Non-Finnish European, 0.0036%; no homozygotes.

Submissions (3):

Ambry Genetics
Classification: Uncertain significance for Inborn genetic diseases. Last evaluated: 2024-10-06. Review status: criteria provided, single submitter. Criteria: Ambry Variant Classification Scheme 2023. Collection method: clinical testing. Allele origin: germline.

Labcorp Genetics (formerly Invitae), Labcorp
Classification: Uncertain significance. Last evaluated: 2024-07-11. Review status: criteria provided, single submitter. Criteria: Invitae Variant Classification Sherloc (09022015). Collection method: clinical testing. Allele origin: germline.
Comment: This sequence change replaces phenylalanine, which is neutral and non-polar, with serine, which is neutral and polar, at codon 6 of the SLC17A8 protein (p.Phe6Ser). This variant is present in population databases (rs764793737, gnomAD 0.003%). This variant has not been reported in the literature in individuals affected with SLC17A8-related conditions. ClinVar contains an entry for this variant (Variation ID: 1219497). An algorithm developed to predict the effect of missense changes on protein structure and function (PolyPhen-2) suggests that this variant is likely to be tolerated. In summary, the available evidence is currently insufficient to determine the role of this variant in disease. Therefore, it has been classified as a Variant of Uncertain Significance.

GeneDx
Classification: Uncertain significance. Last evaluated: 2020-06-08. Review status: criteria provided, single submitter. Criteria: GeneDx Variant Classification Process June 2021. Collection method: clinical testing. Allele origin: germline. Affected: yes.
Comment: In silico analysis supports that this missense variant does not alter protein structure/function; Has not been previously published as pathogenic or benign to our knowledge